The following continues an entry in ClinVar:

NM_007294.4(BRCA1):c.5074G>C (p.Asp1692His)

Gene: BRCA1. ClinVar aggregate classification (germline): Pathogenic. Pathogenic (1).

Submissions 16 to 19 of 19:

Sharing Clinical Reports Project (SCRP)
Classification: Pathogenic for Breast-ovarian cancer, familial 1. Last evaluated: 2010-11-17. Review status: no assertion criteria provided. Collection method: clinical testing. Allele origin: germline. Not counted in ClinVar's aggregate classification.

Breast Cancer Information Core (BIC) (BRCA1)
Classification: Pathogenic for Breast-ovarian cancer, familial 1. Last evaluated: 2004-11-25. Review status: no assertion criteria provided. Collection method: clinical testing. Allele origin: germline. Affected: yes. Observed: 3 variant alleles. Not counted in ClinVar's aggregate classification.

Brotman Baty Institute, University of Washington
No classification provided (evidence only). Condition: Breast-ovarian cancer, familial 1. Review status: no classification provided. Collection method: in vitro. Allele origin: not applicable. Functional consequence: functionally_abnormal. Not counted in ClinVar's aggregate classification.
ClinVar note: "not provided" was previously submitted as the classification for the variant. However, the classification appeared to be based only on an observation of functional data so it was converted to no classification on 2025-07-30.

Department of Pathology and Laboratory Medicine, Sinai Health System
Classification: Pathogenic for Malignant tumor of breast. Review status: no assertion criteria provided. Collection method: clinical testing. Allele origin: unknown. Affected: yes. Study: The Canadian Open Genetics Repository (COGR). Not counted in ClinVar's aggregate classification.
Comment: The p.Asp1692His variant was identified by Coupier (2004) in an individual with breast cancer, and was also identified in the following databases: dbSNP (ID: rs80187739) â€šÃ„ÃºWith pathogenic, probable-pathogenic, untested alleleâ€šÃ„Ã¹, HGMD, UMD (2X as a causal variant), BIC (3X with clinical importance) and LOVD. The p.Asp1692 residue is conserved in mammals and lower organisms and computational analyses (PolyPhen2, SIFT, AlignGVGD, BLOSUM) suggest that the p.Asp1692His variant may impact the protein. However, this information is not predictive enough to assume pathogenicity. The c.5074G>C mutation occurs at the last base of the exon, a position which has been shown to be part of the splicing consensus sequence, and variants involving this position sometimes affect splicing. In-silico or computational prediction software (SpliceSiteFinder, MaxEntScan, NNSPLICE, HumanSpliceFinder) predicts a greater than 10% difference in splicing in 4 of 4 different programs, supporting a pathogenic role for this variant. There are conflicting results in the literature regarding the effect of the variant on splicing and protein function. Two studies detected a cryptic splice site in intron 17 by RT-PCR, with a predicted frame-shift and truncation of the encoded protein (Thomassen 2012, Wappenschmidt 2012). In addition, Wappenschmidt (2012) found that the variant enhanced exon 17 skipping compared to controls; this effect was also reported by Houdayer (2012), though it should be noted that transcripts lacking exon 17 have been found in controls, representing a naturally occurring isoform (Wappenschmidt 2012). Another study did not detect any abnormal transcript from a proband with this variant (Coupier 2004). Assays evaluating peptide binding and structural stability (Lee 2010), or DNA repair (Coupier 2004) yielded intermediate or inconclusive results as compared to wild-type protein function. In summary, based on the above information and the consensus from several of the above sources supports a more pathogenic role for this variant. This variant is classified pathogenic.

Literature cited by the submitters: PubMed 31131967 (cited by 3 submitters); PubMed 21769658 (cited by 8 submitters); PubMed 22505045 (cited by 7 submitters); PubMed 22762150 (cited by 4 submitters); PubMed 23239986 (cited by 8 submitters); PubMed 28294317 (cited by 5 submitters); PubMed 29446198 (cited by Labcorp Genetics (formerly Invitae), Labcorp and Laboratory for Molecular Medicine, Mass General Brigham Personalized Medicine); PubMed 30702160 (cited by Labcorp Genetics (formerly Invitae), Labcorp and Quest Diagnostics Nichols Institute San Juan Capistrano); PubMed 30209399 (cited by 5 submitters); PubMed 17576681 (cited by Labcorp Genetics (formerly Invitae), Labcorp); PubMed 9536098 (cited by Labcorp Genetics (formerly Invitae), Labcorp); PubMed 20516115 (cited by 7 submitters); PubMed 25724305 (cited by 8 submitters); PubMed 30551077 (cited by Victorian Clinical Genetics Services, Murdoch Childrens Research Institute); PubMed 32546644 (cited by Color Diagnostics, LLC DBA Color Health and All of Us Research Program, National Institutes of Health); PubMed 14647443 (cited by Ambry Genetics and Women's Health and Genetics/Laboratory Corporation of America, LabCorp); PubMed 25782689 (cited by Quest Diagnostics Nichols Institute San Juan Capistrano); PubMed 21147198 (cited by Quest Diagnostics Nichols Institute San Juan Capistrano); PubMed 28781887 (cited by Quest Diagnostics Nichols Institute San Juan Capistrano and Laboratory for Molecular Medicine, Mass General Brigham Personalized Medicine); PubMed 33629534 (cited by Quest Diagnostics Nichols Institute San Juan Capistrano); PubMed 31794323 (cited by Quest Diagnostics Nichols Institute San Juan Capistrano); PubMed 16267036 (cited by 3 submitters); PubMed 19147582 (cited by Women's Health and Genetics/Laboratory Corporation of America, LabCorp).